The following is an entry in ClinVar:

NM_001312909.2(FAM111A):c.637_638del (p.Val213fs)

Gene: FAM111A (FAM111 trypsin like peptidase A; plus strand). Cytogenetic location: 11q12.1.
Variant type: Microsatellite.
Coding change: c.637_638del on transcript NM_001312909.2 (MANE Select); coding-DNA positions 637 to 638, 2 bases deleted (GT; older notation c.637_638delGT).
Protein change: p.Val213fs; shifts the reading frame from valine 213.
Molecular consequence: frameshift variant.
Genome position (GRCh38, 1-based): chr11:59,152,305-59,152,306, GT deleted; deleting any 2 consecutive bases within chr11:59,152,302-59,152,306 gives the same sequence; the c. name uses the placement nearest the transcript's 3' end. VCF-style (leftmost placement, unchanged base first): chr11-59152301-CTG-C. GRCh37 (hg19) VCF-style: chr11-58919774-CTG-C.
Other names: c.637_638del, p.Val213fs (NM_001374851.1, NM_001374852.1, NM_001374853.1 and 29 more transcripts); short protein forms V213fs.
Identifiers: ClinVar variation 3668323 (VCV003668323.2).

ClinVar aggregate classification (germline): Uncertain significance (1 of 4 stars; one submission).

Submission:

Labcorp Genetics (formerly Invitae), Labcorp
Classification: Uncertain significance. Last evaluated: 2024-08-14. Review status: criteria provided, single submitter. Criteria: Invitae Variant Classification Sherloc (09022015). Collection method: clinical testing. Allele origin: germline.
Comment: This sequence change creates a premature translational stop signal (p.Val213Leufs*25) in the FAM111A gene. While this is not anticipated to result in nonsense mediated decay, it is expected to disrupt the last 399 amino acid(s) of the FAM111A protein. This variant is present in population databases (rs778387222, gnomAD 0.009%). This variant has not been reported in the literature in individuals affected with FAM111A-related conditions. Experimental studies and prediction algorithms are not available or were not evaluated, and the functional significance of this variant is currently unknown. In summary, the available evidence is currently insufficient to determine the role of this variant in disease. Therefore, it has been classified as a Variant of Uncertain Significance.